The following is an entry in ClinVar:

ClinVar aggregate classification (germline): Uncertain significance (1 of 4 stars; one submission).

Allele frequency attached by ClinVar (database versions not stated): ExAC 0.00001; gnomAD 0.00001; gnomAD exomes 0.00001 and 0.00003; TOPMed 0.00001.
gnomAD v4.1: 43 of 1,613,184 alleles (0.0027%); highest among the groups gnomAD compares: Non-Finnish European, 0.0036%; no homozygotes.

Submission:

Labcorp Genetics (formerly Invitae), Labcorp
Classification: Uncertain significance. Last evaluated: 2019-09-18. Review status: criteria provided, single submitter. Criteria: Invitae Variant Classification Sherloc (09022015). Collection method: clinical testing. Allele origin: germline.
Comment: Algorithms developed to predict the effect of missense changes on protein structure and function (SIFT, PolyPhen-2, Align-GVGD) all suggest that this variant is likely to be tolerated, but these predictions have not been confirmed by published functional studies and their clinical significance is uncertain. This variant has not been reported in the literature in individuals with CTR9-related conditions. This variant is present in population databases (rs754558970, ExAC 0.002%). This sequence change replaces aspartic acid with glycine at codon 923 of the CTR9 protein (p.Asp923Gly). The aspartic acid residue is moderately conserved and there is a moderate physicochemical difference between aspartic acid and glycine. Algorithms developed to predict the effect of sequence changes on RNA splicing suggest that this variant may create or strengthen a splice site, but this prediction has not been confirmed by published transcriptional studies. In summary, the available evidence is currently insufficient to determine the role of this variant in disease. Therefore, it has been classified as a Variant of Uncertain Significance.

NM_014633.5(CTR9):c.2768A>G (p.Asp923Gly)

Gene: CTR9 (CTR9 component of Paf1/RNA polymerase II complex; plus strand). Cytogenetic location: 11p15.4.
Variant type: single nucleotide variant.
Coding change: c.2768A>G on transcript NM_014633.5 (MANE Select); coding-DNA position 2768, A replaced by G.
Protein change: p.Asp923Gly; replaces aspartic acid 923 with glycine.
Molecular consequence: missense variant.
Genome position (GRCh38, 1-based): chr11:10,774,052, A>G. VCF-style: chr11-10774052-A-G. GRCh37 (hg19) VCF-style: chr11-10795599-A-G.
Other names: c.2696A>G, p.Asp899Gly (NM_001346279.2); short protein forms D899G, D923G.
Identifiers: ClinVar variation 955038 (VCV000955038.9), dbSNP rs754558970, ClinGen allele CA5885415.